The following is an entry in ClinVar:

NM_172364.5(CACNA2D4):c.2T>A (p.Met1Lys)

Gene: CACNA2D4 (calcium voltage-gated channel auxiliary subunit alpha2delta 4; minus strand). Cytogenetic location: 12p13.33.
Variant type: single nucleotide variant.
Coding change: c.2T>A on transcript NM_172364.5 (MANE Select); coding-DNA position 2, T replaced by A.
Protein change: p.Met1Lys; changes the start codon (methionine 1).
Molecular consequence: missense variant, initiator codon variant.
Genome position (GRCh38, 1-based): chr12:1,918,472, A>T on the plus strand (T>A on the coding strand, the complement: CACNA2D4 is on the minus strand). VCF-style: chr12-1918472-A-T. GRCh37 (hg19) VCF-style: chr12-2027638-A-T.
Other names: short protein forms M1K.
Identifiers: ClinVar variation 1417369 (VCV001417369.9), dbSNP rs1026797698, ClinGen allele CA231592509.

ClinVar aggregate classification (germline): Uncertain significance. Review status: criteria provided, multiple submitters, no conflicts (2 of 4 stars). 2 submissions from 2 submitters: Uncertain significance (2). Last evaluated 2023-11-03.

Allele frequency attached by ClinVar (database versions not stated): gnomAD 0.00002 and 0.00003.

Submissions (2):

Labcorp Genetics (formerly Invitae), Labcorp
Classification: Uncertain significance. Last evaluated: 2023-11-03. Review status: criteria provided, single submitter. Criteria: Invitae Variant Classification Sherloc (09022015). Collection method: clinical testing. Allele origin: germline.
Comment: This sequence change affects the initiator methionine of the CACNA2D4 mRNA. The next in-frame methionine is located at codon 18. This variant is present in population databases (no rsID available, gnomAD 0.006%). This variant has not been reported in the literature in individuals affected with CACNA2D4-related conditions. ClinVar contains an entry for this variant (Variation ID: 1417369). Experimental studies and prediction algorithms are not available or were not evaluated, and the functional significance of this variant is currently unknown. In summary, the available evidence is currently insufficient to determine the role of this variant in disease. Therefore, it has been classified as a Variant of Uncertain Significance.

Blueprint Genetics
Classification: Uncertain significance. Last evaluated: 2022-09-02. Review status: criteria provided, single submitter. Criteria: ACMG Guidelines, 2015. Collection method: clinical testing. Allele origin: germline.